The following is an entry in ClinVar:

ClinVar aggregate classification (germline): Uncertain significance (1 of 4 stars; one submission).

Submission:

GeneDx
Classification: Uncertain significance. Last evaluated: 2026-02-06. Review status: criteria provided, single submitter. Criteria: GeneDx Variant Classification Process June 2021. Collection method: clinical testing. Allele origin: germline.
Comment: Not observed at significant frequency in large population cohorts (gnomAD); In silico analysis supports that this missense variant has a deleterious effect on protein structure/function; Has not been previously published as pathogenic or benign to our knowledge

NM_015015.3(KDM4B):c.953T>C (p.Met318Thr)

Gene: KDM4B (lysine demethylase 4B; plus strand). Cytogenetic location: 19p13.3.
Variant type: single nucleotide variant.
Coding change: c.953T>C on transcript NM_015015.3 (MANE Select); coding-DNA position 953, T replaced by C.
Protein change: p.Met318Thr; replaces methionine 318 with threonine.
Molecular consequence: missense variant.
Genome position (GRCh38, 1-based): chr19:5,110,656, T>C. VCF-style: chr19-5110656-T-C. GRCh37 (hg19) VCF-style: chr19-5110667-T-C.
Other names: c.953T>C, p.Met318Thr (NM_001370093.1, NM_001370094.1, NM_001411148.1); short protein forms M318T.
Identifiers: ClinVar variation 2430508 (VCV002430508.2), dbSNP rs2512536901, ClinGen allele CA403494869.